The following is an entry in ClinVar:

NM_033380.3(COL4A5):c.4441C>T (p.Gln1481Ter)

Gene: COL4A5 (collagen type IV alpha 5 chain; plus strand). Cytogenetic location: Xq22.3.
Variant type: single nucleotide variant.
Coding change: c.4441C>T on transcript NM_033380.3 (MANE Select); coding-DNA position 4441, C replaced by T.
Protein change: p.Gln1481Ter; replaces glutamine 1481 with a stop codon.
Molecular consequence: nonsense.
Genome position (GRCh38, 1-based): chrX:108,687,607, C>T. VCF-style: chrX-108687607-C-T. GRCh37 (hg19) VCF-style: chrX-107930837-C-T.
Other names: c.4423C>T, p.Gln1475Ter (NM_000495.5); short protein forms Q1475*, Q1481*.
Identifiers: ClinVar variation 805941 (VCV000805941.4), dbSNP rs1603323278, ClinGen allele CA413854399.
Genomic context (GRCh38, chrX:108,687,607, plus strand): 5'-ACCTCCTCTGTTGCACATGGATTTCTTATTACACGCCACAGCCAGACAACGGATGCACCA[C>T]AATGCCCACAGGGAACACTTCAGGTCTATGAAGGCTTTTCTCTCCTGTATGTACAAGGAA-3'

ClinVar aggregate classification (germline): Pathogenic. Review status: criteria provided, multiple submitters, no conflicts (2 of 4 stars). 3 submissions from 3 submitters: Pathogenic (2). 1 of the submissions does not count toward it. Last evaluated 2025-02-10.

Conditions:
X-linked Alport syndrome (ATS1). Also called: COL4A5-Related Nephropathy; NEPHROPATHY AND DEAFNESS, X-LINKED. Identifiers: Orphanet 63, Orphanet 88917, MedGen C4746986, MONDO:0010520, OMIM 301050.

Submissions (3):

3billion
Classification: Pathogenic for X-linked Alport syndrome. Last evaluated: 2025-02-10. Review status: criteria provided, single submitter. Criteria: ACMG Guidelines, 2015. Collection method: clinical testing. Allele origin: germline. Affected: yes.
Comment: The variant is not observed in the gnomAD v4.1.0 dataset. Predicted Consequence/Location: Stop-gained (nonsense): predicted to result in a loss or disruption of normal protein function through nonsense-mediated decay (NMD) or protein truncation. Multiple pathogenic variants are reported downstream of the variant. The variant has been reported to be associated with COL4A5-related disorder (ClinVar ID: VCV000805941). Therefore, this variant is classified as Pathogenic according to the recommendation of ACMG/AMP guideline.

Myriad Genetics, Inc.
Classification: Pathogenic for X-linked Alport syndrome. Last evaluated: 2024-05-08. Review status: criteria provided, single submitter. Criteria: Myriad Autosomal Dominant, Autosomal Recessive and X-Linked Classification Criteria (2023). Collection method: clinical testing. Allele origin: unknown.
Comment: NM_000495.4(COL4A5):c.4423C>T(Q1475*) is expected to be pathogenic in the context of X-linked Alport syndrome. This variant is predicted to lead to an abnormal or absent protein product due to the creation of a premature termination codon in COL4A5, a gene where loss-of-function variants are known to be pathogenic. Please note: this variant was assessed in the context of healthy population screening.

Institute of Human Genetics, Cologne University
Classification: Pathogenic for X-linked Alport syndrome. Review status: no assertion criteria provided. Collection method: clinical testing. Allele origin: germline. Affected: yes. Observed: 1 hemizygote. Not counted in ClinVar's aggregate classification.
Comment: The variant was not found in gnomAD: PM2. It is predicted to undergo NMD and present in the relevant transcript: PVS1. It is predicted to be pathogenic (CADD score of 39): PP3.